The following is an entry in ClinVar:

ClinVar aggregate classification (germline): Conflicting classifications of pathogenicity. Review status: criteria provided, conflicting classifications (1 of 4 stars). 6 submissions from 6 submitters: Uncertain significance (4); Likely benign (1). 1 of the submissions does not count toward it. Last evaluated 2026-01-19.

Conditions:
Inborn genetic diseases. Identifiers: MedGen C0950123, MeSH D030342.
Hereditary insensitivity to pain with anhidrosis (CIPA). Also called: HSAN Type IV; hereditary sensory and autonomic neuropathy type 4; INSENSITIVITY TO PAIN, CONGENITAL, WITH ANHIDROSIS; FAMILIAL DYSAUTONOMIA, TYPE II; NTRK1 Congenital Insensitivity to Pain with Anhidrosis; NEUROPATHY, CONGENITAL SENSORY, WITH ANHIDROSIS. Identifiers: Orphanet 642, MedGen C0020074, MONDO:0009746, OMIM 256800.

Allele frequency attached by ClinVar (database versions not stated): ESP Exome Variant Server 0.00008; gnomAD exomes 0.00011; ExAC 0.00020; gnomAD 0.00023; TOPMed 0.00026; 1000 Genomes Project 0.00040; 1000 Genomes Project 30x 0.00047.
gnomAD v4.1: 260 of 1,554,406 alleles (0.017%); highest among the groups gnomAD compares: African/African-American, 0.067%; no homozygotes.

Submissions (6):

Labcorp Genetics (formerly Invitae), Labcorp
Classification: Likely benign for Hereditary insensitivity to pain with anhidrosis. Last evaluated: 2026-01-19. Review status: criteria provided, single submitter. Criteria: Invitae Variant Classification Sherloc (09022015). Collection method: clinical testing. Allele origin: germline.

GeneDx
Classification: Uncertain significance. Last evaluated: 2024-12-16. Review status: criteria provided, single submitter. Criteria: GeneDx Variant Classification Process June 2021. Collection method: clinical testing. Allele origin: germline. Affected: yes.
Comment: In silico analysis indicates that this missense variant does not alter protein structure/function; Has not been previously published as pathogenic or benign to our knowledge; This variant is associated with the following publications: (PMID: 32807182)

CeGaT Center for Human Genetics Tuebingen
Classification: Uncertain significance. Last evaluated: 2022-04-01. Review status: criteria provided, single submitter. Criteria: CeGaT Center For Human Genetics Tuebingen Variant Classification Criteria Version 2. Collection method: clinical testing. Allele origin: germline. Affected: yes. Observed: 1 variant allele.
Comment: NTRK1: PM2, BP4

Ambry Genetics
Classification: Uncertain significance for Inborn genetic diseases. Last evaluated: 2020-08-10. Review status: criteria provided, single submitter. Criteria: Ambry Variant Classification Scheme 2023. Collection method: clinical testing. Allele origin: germline.
Comment: The p.R214Q variant (also known as c.641G>A), located in coding exon 6 of the NTRK1 gene, results from a G to A substitution at nucleotide position 641. The arginine at codon 214 is replaced by glutamine, an amino acid with highly similar properties. This amino acid position is poorly conserved in available vertebrate species. In addition, this alteration is predicted to be tolerated by in silico analysis. Since supporting evidence is limited at this time, the clinical significance of this alteration remains unclear.

Illumina Laboratory Services, Illumina
Classification: Uncertain significance for Hereditary insensitivity to pain with anhidrosis. Last evaluated: 2018-01-12. Review status: criteria provided, single submitter. Criteria: ICSL Variant Classification Criteria 13 December 2019. Collection method: clinical testing. Allele origin: germline.

Natera, Inc.
Classification: Uncertain significance for Hereditary insensitivity to pain with anhidrosis. Last evaluated: 2020-01-17. Review status: no assertion criteria provided. Collection method: clinical testing. Allele origin: germline. Not counted in ClinVar's aggregate classification.

NM_002529.4(NTRK1):c.641G>A (p.Arg214Gln)

Gene: NTRK1 (neurotrophic receptor tyrosine kinase 1; plus strand). Cytogenetic location: 1q23.1.
Variant type: single nucleotide variant.
Coding change: c.641G>A on transcript NM_002529.4 (MANE Select); coding-DNA position 641, G replaced by A.
Protein change: p.Arg214Gln; replaces arginine 214 with glutamine.
Molecular consequence: missense variant.
Genome position (GRCh38, 1-based): chr1:156,868,571, G>A. VCF-style: chr1-156868571-G-A. GRCh37 (hg19) VCF-style: chr1-156838363-G-A.
Other names: c.551G>A, p.Arg184Gln (NM_001007792.1); c.641G>A, p.Arg214Gln (NM_001012331.2); short protein forms R184Q, R214Q.
Identifiers: ClinVar variation 292881 (VCV000292881.51), dbSNP rs200132482, ClinGen allele CA1169063.